The following is an entry in ClinVar:

NM_001035.3(RYR2):c.14G>A (p.Gly5Asp)

Gene: RYR2 (ryanodine receptor 2; plus strand). Cytogenetic location: 1q43.
Variant type: single nucleotide variant.
Coding change: c.14G>A on transcript NM_001035.3 (MANE Select); coding-DNA position 14, G replaced by A.
Protein change: p.Gly5Asp; replaces glycine 5 with aspartic acid.
Molecular consequence: missense variant.
Genome position (GRCh38, 1-based): chr1:237,042,535, G>A. VCF-style: chr1-237042535-G-A. GRCh37 (hg19) VCF-style: chr1-237205835-G-A.
Other names: short protein forms G5D.
Identifiers: ClinVar variation 1321104 (VCV001321104.14), dbSNP rs1660034518, ClinGen allele CA345654164.

ClinVar aggregate classification (germline): Uncertain significance. Review status: criteria provided, multiple submitters, no conflicts (2 of 4 stars). 3 submissions from 3 submitters: Uncertain significance (3). Last evaluated 2025-08-26.

Conditions:
Cardiovascular phenotype. Identifiers: MedGen CN230736.
Catecholaminergic polymorphic ventricular tachycardia 1. Also called: RYR2-Related Catecholaminergic Polymorphic Ventricular Tachycardia; VENTRICULAR TACHYCARDIA, CATECHOLAMINERGIC POLYMORPHIC, 1, WITH OR WITHOUT ATRIAL DYSFUNCTION AND/OR DILATED CARDIOMYOPATHY; VENTRICULAR TACHYCARDIA, STRESS-INDUCED POLYMORPHIC 1. Identifiers: Orphanet 3286, MedGen C1631597, MONDO:0011484, OMIM 604772.

Allele frequency attached by ClinVar (database versions not stated): TOPMed 0.00001.

Submissions (3):

Labcorp Genetics (formerly Invitae), Labcorp
Classification: Uncertain significance for Catecholaminergic polymorphic ventricular tachycardia 1. Last evaluated: 2025-08-26. Review status: criteria provided, single submitter. Criteria: Invitae Variant Classification Sherloc (09022015). Collection method: clinical testing. Allele origin: germline.
Comment: This sequence change replaces glycine, which is neutral and non-polar, with aspartic acid, which is acidic and polar, at codon 5 of the RYR2 protein (p.Gly5Asp). This variant is not present in population databases (gnomAD no frequency). This variant has not been reported in the literature in individuals affected with RYR2-related conditions. ClinVar contains an entry for this variant (Variation ID: 1321104). Invitae Evidence Modeling of protein sequence and biophysical properties (such as structural, functional, and spatial information, amino acid conservation, physicochemical variation, residue mobility, and thermodynamic stability) indicates that this missense variant is expected to disrupt RYR2 protein function with a positive predictive value of 95%. In summary, the available evidence is currently insufficient to determine the role of this variant in disease. Therefore, it has been classified as a Variant of Uncertain Significance.

GeneDx
Classification: Uncertain significance. Last evaluated: 2022-01-20. Review status: criteria provided, single submitter. Criteria: GeneDx Variant Classification Process June 2021. Collection method: clinical testing. Allele origin: germline. Affected: yes.
Comment: Not observed at significant frequency in large population cohorts (gnomAD); In silico analysis supports that this missense variant does not alter protein structure/function; Has not been previously published as pathogenic or benign to our knowledge

Ambry Genetics
Classification: Uncertain significance for Cardiovascular phenotype. Last evaluated: 2019-09-28. Review status: criteria provided, single submitter. Criteria: Ambry Variant Classification Scheme 2023. Collection method: clinical testing. Allele origin: germline.
Comment: The p.G5D variant (also known as c.14G>A), located in coding exon 1 of the RYR2 gene, results from a G to A substitution at nucleotide position 14. The glycine at codon 5 is replaced by aspartic acid, an amino acid with similar properties. This amino acid position is highly conserved in available vertebrate species. In addition, the in silico prediction for this alteration is inconclusive. Since supporting evidence is limited at this time, the clinical significance of this alteration remains unclear.